The following is an entry in ClinVar:

NM_015378.4(VPS13D):c.1012A>G (p.Thr338Ala)

Gene: VPS13D (vacuolar protein sorting 13 homolog D; plus strand). Cytogenetic location: 1p36.22.
Variant type: single nucleotide variant.
Coding change: c.1012A>G on transcript NM_015378.4 (MANE Select); coding-DNA position 1012, A replaced by G.
Protein change: p.Thr338Ala; replaces threonine 338 with alanine.
Molecular consequence: missense variant.
Genome position (GRCh38, 1-based): chr1:12,258,005, A>G. VCF-style: chr1-12258005-A-G. GRCh37 (hg19) VCF-style: chr1-12318062-A-G.
Other names: p.Thr338Ala; c.1012A>G, p.Thr338Ala (NM_018156.4); short protein forms T338A.
Identifiers: ClinVar variation 3380817 (VCV003380817.1).

ClinVar aggregate classification (germline): Uncertain significance (1 of 4 stars; one submission).

gnomAD v4.1: 1 of 1,614,240 alleles (0.000062%); highest among the groups gnomAD compares: Non-Finnish European, 0.000085%; no homozygotes.

Submission:

Mayo Clinic Laboratories, Mayo Clinic
Classification: Uncertain significance. Last evaluated: 2023-11-02. Review status: criteria provided, single submitter. Criteria: ACMG Guidelines, 2015. Collection method: clinical testing. Allele origin: germline. Observed: 1 variant allele.
Comment: BP4, PM2_moderate